The following is an entry in ClinVar:

NM_001039141.3(TRIOBP):c.115-3C>T

Gene: TRIOBP (TRIO and F-actin binding protein; plus strand). Cytogenetic location: 22q13.1.
Variant type: single nucleotide variant.
Coding change: c.115-3C>T on transcript NM_001039141.3 (MANE Select); 3 bases into the intron before coding-DNA position 115, C replaced by T.
Molecular consequence: intron variant.
Genome position (GRCh38, 1-based): chr22:37,710,424, C>T. VCF-style: chr22-37710424-C-T. GRCh37 (hg19) VCF-style: chr22-38106431-C-T.
Identifiers: ClinVar variation 3764279 (VCV003764279.1).

ClinVar aggregate classification (germline): Uncertain significance (1 of 4 stars; one submission).

gnomAD v4.1: 9 of 1,613,304 alleles (0.00056%); highest among the groups gnomAD compares: South Asian, 0.0033%; no homozygotes.

Submission:

GeneDx
Classification: Uncertain significance. Last evaluated: 2024-08-19. Review status: criteria provided, single submitter. Criteria: GeneDx Variant Classification Process June 2021. Collection method: clinical testing. Allele origin: germline. Affected: yes.
Comment: Not observed at significant frequency in large population cohorts (gnomAD); In silico analysis indicates that this variant does not alter splicing; Has not been previously published as pathogenic or benign to our knowledge